The following is an entry in ClinVar:

NM_000069.3(CACNA1S):c.5554G>A (p.Gly1852Arg)

Gene: CACNA1S (calcium voltage-gated channel subunit alpha1 S; minus strand). Cytogenetic location: 1q32.1.
Variant type: single nucleotide variant.
Coding change: c.5554G>A on transcript NM_000069.3 (MANE Select); coding-DNA position 5554, G replaced by A.
Protein change: p.Gly1852Arg; replaces glycine 1852 with arginine.
Molecular consequence: missense variant.
Genome position (GRCh38, 1-based): chr1:201,039,899, C>T on the plus strand (G>A on the coding strand, the complement: CACNA1S is on the minus strand). VCF-style: chr1-201039899-C-T. GRCh37 (hg19) VCF-style: chr1-201009027-C-T.
Other names: short protein forms G1852R.
Identifiers: ClinVar variation 294704 (VCV000294704.18), dbSNP rs540721779, ClinGen allele CA083900.

ClinVar aggregate classification (germline): Benign/Likely benign. Review status: criteria provided, multiple submitters, no conflicts (2 of 4 stars). 8 submissions from 5 submitters: Benign (1); Likely benign (7). Last evaluated 2025-12-10.

Conditions:
Congenital myopathy 18. Also called: Myopathy, congenital, due to dihydropyridine receptor defect; DIHYDROPYRIDINE RECEPTOR CONGENITAL MYOPATHY; DHPR CONGENITAL MYOPATHY. Identifiers: MedGen C5830283, MONDO:0859514, OMIM 620246.
Hypokalemic periodic paralysis, type 1. Also called: Hypokalemic Periodic Paralysis Type 1 (AD); HypoPP. Identifiers: Orphanet 681, MedGen C3714580, MONDO:0042979, OMIM 170400.
Malignant hyperthermia, susceptibility to, 5 (MHS5). Also called: CACNA1S-Related Malignant Hyperthermia Susceptibility. Identifiers: Orphanet 423, MedGen C1866077, MONDO:0011163, OMIM 601887.
Thyrotoxic periodic paralysis, susceptibility to, 1 (TTPP1). Identifiers: Orphanet 79102, MedGen C2749982, MONDO:0008570, OMIM 188580.

Allele frequency attached by ClinVar (database versions not stated): gnomAD exomes 0.00006 and 0.00027; gnomAD 0.00010 and 0.00011; 1000 Genomes Project 30x 0.00016; TOPMed 0.00016; 1000 Genomes Project 0.00020; ExAC 0.00032.
gnomAD v4.1: 106 of 1,613,448 alleles (0.0066%); highest among the groups gnomAD compares: East Asian, 0.21%; 1 homozygote.

Submissions (8):

Labcorp Genetics (formerly Invitae), Labcorp
Classification: Likely benign for Hypokalemic periodic paralysis, type 1; Malignant hyperthermia, susceptibility to, 5. Last evaluated: 2025-12-10. Review status: criteria provided, single submitter. Criteria: Invitae Variant Classification Sherloc (09022015). Collection method: clinical testing. Allele origin: germline.

Genome-Nilou Lab
Classification: Likely benign for Malignant hyperthermia, susceptibility to, 5. Last evaluated: 2023-04-11. Review status: criteria provided, single submitter. Criteria: ACMG Guidelines, 2015. Collection method: clinical testing. Allele origin: germline. Affected: no.

Genome-Nilou Lab
Classification: Likely benign for Thyrotoxic periodic paralysis, susceptibility to, 1. Last evaluated: 2023-04-11. Review status: criteria provided, single submitter. Criteria: ACMG Guidelines, 2015. Collection method: clinical testing. Allele origin: germline. Affected: no.

Genome-Nilou Lab
Classification: Likely benign for Congenital myopathy 18. Last evaluated: 2023-04-11. Review status: criteria provided, single submitter. Criteria: ACMG Guidelines, 2015. Collection method: clinical testing. Allele origin: germline. Affected: no.

Genome-Nilou Lab
Classification: Likely benign for Hypokalemic periodic paralysis, type 1. Last evaluated: 2023-04-11. Review status: criteria provided, single submitter. Criteria: ACMG Guidelines, 2015. Collection method: clinical testing. Allele origin: germline. Affected: no.

Color Diagnostics, LLC DBA Color Health
Classification: Likely benign for Malignant hyperthermia, susceptibility to, 5. Last evaluated: 2022-10-03. Review status: criteria provided, single submitter. Criteria: ACMG Guidelines, 2015. Collection method: clinical testing. Allele origin: germline.

Blueprint Genetics
Classification: Likely benign. Last evaluated: 2022-09-09. Review status: criteria provided, single submitter. Criteria: ACMG Guidelines, 2015. Collection method: clinical testing. Allele origin: germline.

Illumina Laboratory Services, Illumina
Classification: Benign for Hypokalemic periodic paralysis, type 1. Last evaluated: 2018-01-13. Review status: criteria provided, single submitter. Criteria: ICSL Variant Classification Criteria 13 December 2019. Collection method: clinical testing. Allele origin: germline.
Comment: This variant was observed in the ICSL laboratory as part of a predisposition screen in an ostensibly healthy population. It had not been previously curated by ICSL or reported in the Human Gene Mutation Database (HGMD: prior to June 1st, 2018), and was therefore a candidate for classification through an automated scoring system. Utilizing variant allele frequency, disease prevalence and penetrance estimates, and inheritance mode, an automated score was calculated to assess if this variant is too frequent to cause the disease. Based on the score and internal cut-off values, a variant classified as benign is not then subjected to further curation. The score for this variant resulted in a classification of benign for this disease.